The following is an entry in ClinVar:

NM_014946.4(SPAST):c.1173+283dup

Gene: SPAST (spastin; plus strand). Cytogenetic location: 2p22.3.
Variant type: Duplication.
Coding change: c.1173+283dup on transcript NM_014946.4 (MANE Select); 283 bases into the intron after coding-DNA position 1173, one base duplicated (A; older notation c.1173+283dupA).
Molecular consequence: intron variant.
Genome position (GRCh38, 1-based): chr2:32,127,305, A duplicated. VCF-style (leftmost placement, unchanged base first): chr2-32127304-G-GA. GRCh37 (hg19) VCF-style: chr2-32352373-G-GA.
Other names: c.1077+283dup (NM_199436.2, NM_001377959.1); c.1170+283dup (NM_001363823.2); c.1074+283dup (NM_001363875.2); c.1173+282_1173+283insA (NM_014946.3).
Identifiers: ClinVar variation 672732 (VCV000672732.1), dbSNP rs201829595, ClinGen allele CA44741926.
Genomic context (GRCh38, chr2:32,127,304, plus strand): 5'-AGTAGCTGGGATTACAGGCACACGCCACCACACCTGTCTAGGTTTTTTATTTTTGGCAGA[G>GA]ACAGGATTTCGCCATGTTGGCCAGGCTGGTGTCGAACTCCTGACCTCAAGCAGTCCTCCT-3'

ClinVar aggregate classification (germline): Likely benign (1 of 4 stars; one submission).

Allele frequency attached by ClinVar (database versions not stated): 1000 Genomes Project 30x 0.00796; 1000 Genomes Project 0.00859; gnomAD 0.01233 and 0.01262; TOPMed 0.01236; gnomAD exomes 0.01807.

Submission:

GeneDx
Classification: Likely benign. Last evaluated: 2018-06-14. Review status: criteria provided, single submitter. Criteria: GeneDx Variant Classification (06012015). Collection method: clinical testing. Allele origin: germline. Affected: yes.
Comment: This variant is considered likely benign or benign based on one or more of the following criteria: it is a conservative change, it occurs at a poorly conserved position in the protein, it is predicted to be benign by multiple in silico algorithms, and/or has population frequency not consistent with disease.